The following is an entry in ClinVar:

ClinVar aggregate classification (germline): Uncertain significance. Review status: criteria provided, multiple submitters, no conflicts (2 of 4 stars). 2 submissions from 2 submitters: Uncertain significance (2). Last evaluated 2024-04-15.

Conditions:
Ornithine carbamoyltransferase deficiency (OTCD). Also called: ORNITHINE TRANSCARBAMYLASE DEFICIENCY; Ornithine Carbamoyltransferase Deficiency Disease; OTC DEFICIENCY; ORNITHINE TRANSCARBAMYLASE DEFICIENCY, HYPERAMMONEMIA DUE TO. Identifiers: Orphanet 664, MedGen C0268542, MONDO:0010703, OMIM 311250.

Allele frequency attached by ClinVar (database versions not stated): gnomAD exomes below 0.00001; TOPMed below 0.00001.
gnomAD v4.1: 2 of 1,208,494 alleles (0.00017%); highest among the groups gnomAD compares: African/African-American, 0.0017%; no homozygotes.

Submissions (2):

Women's Health and Genetics/Laboratory Corporation of America, LabCorp
Classification: Uncertain significance. Last evaluated: 2024-04-15. Review status: criteria provided, single submitter. Criteria: LabCorp Variant Classification Summary - May 2015. Collection method: clinical testing. Allele origin: germline.

Labcorp Genetics (formerly Invitae), Labcorp
Classification: Uncertain significance for Ornithine carbamoyltransferase deficiency. Last evaluated: 2022-01-19. Review status: criteria provided, single submitter. Criteria: Invitae Variant Classification Sherloc (09022015). Collection method: clinical testing. Allele origin: germline.
Comment: This sequence change replaces arginine, which is basic and polar, with glutamine, which is neutral and polar, at codon 320 of the OTC protein (p.Arg320Gln). This variant is not present in population databases (gnomAD no frequency). This variant has not been reported in the literature in individuals affected with OTC-related conditions. Advanced modeling of protein sequence and biophysical properties (such as structural, functional, and spatial information, amino acid conservation, physicochemical variation, residue mobility, and thermodynamic stability) performed at Invitae indicates that this missense variant is not expected to disrupt OTC protein function. This variant disrupts the p.Arg320 amino acid residue in OTC. Other variant(s) that disrupt this residue have been determined to be pathogenic (PMID: 1671317, 10946359). This suggests that this residue is clinically significant, and that variants that disrupt this residue are likely to be disease-causing. In summary, the available evidence is currently insufficient to determine the role of this variant in disease. Therefore, it has been classified as a Variant of Uncertain Significance.

Literature cited by the submitters: PubMed 1671317 (cited by Labcorp Genetics (formerly Invitae), Labcorp); PubMed 10946359 (cited by Labcorp Genetics (formerly Invitae), Labcorp).

NM_000531.6(OTC):c.959G>A (p.Arg320Gln)

Gene: OTC (ornithine transcarbamylase; plus strand). Cytogenetic location: Xp11.4.
Variant type: single nucleotide variant.
Coding change: c.959G>A on transcript NM_000531.6 (MANE Select); coding-DNA position 959, G replaced by A.
Protein change: p.Arg320Gln; replaces arginine 320 with glutamine.
Molecular consequence: missense variant.
Genome position (GRCh38, 1-based): chrX:38,411,953, G>A. VCF-style: chrX-38411953-G-A. GRCh37 (hg19) VCF-style: chrX-38271206-G-A.
Other names: short protein forms R320Q.
Identifiers: ClinVar variation 1467804 (VCV001467804.4), dbSNP rs72558474, ClinGen allele CA412726527.